The following is an entry in ClinVar:

NM_144499.3(GNAT1):c.934G>T (p.Val312Leu)

Gene: GNAT1 (G protein subunit alpha transducin 1; plus strand). Cytogenetic location: 3p21.31.
Variant type: single nucleotide variant.
Coding change: c.934G>T on transcript NM_144499.3 (MANE Select); coding-DNA position 934, G replaced by T.
Protein change: p.Val312Leu; replaces valine 312 with leucine.
Molecular consequence: missense variant.
Genome position (GRCh38, 1-based): chr3:50,194,836, G>T. VCF-style: chr3-50194836-G-T. GRCh37 (hg19) VCF-style: chr3-50232269-G-T.
Other names: c.934G>T, p.Val312Leu (NM_000172.4); short protein forms V312L.
Identifiers: ClinVar variation 2995138 (VCV002995138.3), dbSNP rs1233953441, ClinGen allele CA352920492.

ClinVar aggregate classification (germline): Uncertain significance (1 of 4 stars; one submission).

Allele frequency attached by ClinVar (database versions not stated): gnomAD 0.00001; gnomAD exomes 0.00002; TOPMed 0.00002.
gnomAD v4.1: 12 of 1,613,814 alleles (0.00074%); highest among the groups gnomAD compares: East Asian, 0.025%; no homozygotes.

Submission:

Labcorp Genetics (formerly Invitae), Labcorp
Classification: Uncertain significance. Last evaluated: 2022-11-04. Review status: criteria provided, single submitter. Criteria: Invitae Variant Classification Sherloc (09022015). Collection method: clinical testing. Allele origin: germline.
Comment: In summary, the available evidence is currently insufficient to determine the role of this variant in disease. Therefore, it has been classified as a Variant of Uncertain Significance. Advanced modeling of protein sequence and biophysical properties (such as structural, functional, and spatial information, amino acid conservation, physicochemical variation, residue mobility, and thermodynamic stability) performed at Invitae indicates that this missense variant is not expected to disrupt GNAT1 protein function. This variant has not been reported in the literature in individuals affected with GNAT1-related conditions. This variant is present in population databases (no rsID available, gnomAD 0.006%). This sequence change replaces valine, which is neutral and non-polar, with leucine, which is neutral and non-polar, at codon 312 of the GNAT1 protein (p.Val312Leu).